The following is an entry in ClinVar:

ClinVar aggregate classification (germline): Uncertain significance (1 of 4 stars; one submission).

Conditions:
Catecholaminergic polymorphic ventricular tachycardia 1. Also called: VENTRICULAR TACHYCARDIA, CATECHOLAMINERGIC POLYMORPHIC, 1, WITH OR WITHOUT ATRIAL DYSFUNCTION AND/OR DILATED CARDIOMYOPATHY; RYR2-Related Catecholaminergic Polymorphic Ventricular Tachycardia; VENTRICULAR TACHYCARDIA, STRESS-INDUCED POLYMORPHIC 1. Identifiers: Orphanet 3286, MedGen C1631597, MONDO:0011484, OMIM 604772.

Submission:

Labcorp Genetics (formerly Invitae), Labcorp
Classification: Uncertain significance for Catecholaminergic polymorphic ventricular tachycardia 1. Last evaluated: 2024-06-02. Review status: criteria provided, single submitter. Criteria: Invitae Variant Classification Sherloc (09022015). Collection method: clinical testing. Allele origin: germline.
Comment: This sequence change replaces leucine, which is neutral and non-polar, with serine, which is neutral and polar, at codon 2323 of the RYR2 protein (p.Leu2323Ser). This variant is not present in population databases (gnomAD no frequency). This variant has not been reported in the literature in individuals affected with RYR2-related conditions. Advanced modeling of protein sequence and biophysical properties (such as structural, functional, and spatial information, amino acid conservation, physicochemical variation, residue mobility, and thermodynamic stability) performed at Invitae indicates that this missense variant is expected to disrupt RYR2 protein function with a positive predictive value of 95%. In summary, the available evidence is currently insufficient to determine the role of this variant in disease. Therefore, it has been classified as a Variant of Uncertain Significance.

NM_001035.3(RYR2):c.6968T>C (p.Leu2323Ser)

Gene: RYR2 (ryanodine receptor 2; plus strand). Cytogenetic location: 1q43.
Variant type: single nucleotide variant.
Coding change: c.6968T>C on transcript NM_001035.3 (MANE Select); coding-DNA position 6968, T replaced by C.
Protein change: p.Leu2323Ser; replaces leucine 2323 with serine.
Molecular consequence: missense variant.
Genome position (GRCh38, 1-based): chr1:237,639,054, T>C. VCF-style: chr1-237639054-T-C. GRCh37 (hg19) VCF-style: chr1-237802354-T-C.
Other names: short protein forms L2323S.
Identifiers: ClinVar variation 3633805 (VCV003633805.2).